The following is an entry in ClinVar:

ClinVar aggregate classification (germline): Uncertain significance (1 of 4 stars; one submission).

Submission:

Ambry Genetics
Classification: Uncertain significance. Last evaluated: 2021-12-10. Review status: criteria provided, single submitter. Criteria: Ambry Variant Classification Scheme 2023. Collection method: clinical testing. Allele origin: germline.
Comment: The p.S5R variant (also known as c.13A>C), located in coding exon 1 of the EGLN1 gene, results from an A to C substitution at nucleotide position 13. The serine at codon 5 is replaced by arginine, an amino acid with dissimilar properties. This amino acid position is conserved. In addition, this alteration is predicted to be tolerated by in silico analysis. Since supporting evidence is limited at this time, the clinical significance of this alteration remains unclear.

NM_022051.3(EGLN1):c.13A>C (p.Ser5Arg)

Gene: EGLN1 (egl-9 family hypoxia inducible factor 1; minus strand). Cytogenetic location: 1q42.2.
Variant type: single nucleotide variant.
Coding change: c.13A>C on transcript NM_022051.3 (MANE Select); coding-DNA position 13, A replaced by C.
Protein change: p.Ser5Arg; replaces serine 5 with arginine.
Molecular consequence: missense variant.
Genome position (GRCh38, 1-based): chr1:231,421,876, T>G on the plus strand (A>C on the coding strand, the complement: EGLN1 is on the minus strand). VCF-style: chr1-231421876-T-G. GRCh37 (hg19) VCF-style: chr1-231557622-T-G.
Other names: c.13A>C, p.Ser5Arg (NM_001377260.1, NM_001377261.1); short protein forms S5R.
Identifiers: ClinVar variation 1771750 (VCV001771750.2), dbSNP rs2527362432, ClinGen allele CA345239608.